The following is an entry in ClinVar:

ClinVar aggregate classification (germline): Uncertain significance (1 of 4 stars; one submission).

Allele frequency attached by ClinVar (database versions not stated): TOPMed below 0.00001.

Submission:

Labcorp Genetics (formerly Invitae), Labcorp
Classification: Uncertain significance. Last evaluated: 2022-11-01. Review status: criteria provided, single submitter. Criteria: Invitae Variant Classification Sherloc (09022015). Collection method: clinical testing. Allele origin: germline.
Comment: This sequence change replaces arginine, which is basic and polar, with isoleucine, which is neutral and non-polar, at codon 148 of the ELOVL4 protein (p.Arg148Ile). This variant is not present in population databases (gnomAD no frequency). This variant has not been reported in the literature in individuals affected with ELOVL4-related conditions. ClinVar contains an entry for this variant (Variation ID: 841393). Advanced modeling of protein sequence and biophysical properties (such as structural, functional, and spatial information, amino acid conservation, physicochemical variation, residue mobility, and thermodynamic stability) performed at Invitae indicates that this missense variant is expected to disrupt ELOVL4 protein function. In summary, the available evidence is currently insufficient to determine the role of this variant in disease. Therefore, it has been classified as a Variant of Uncertain Significance.

NM_022726.4(ELOVL4):c.443G>T (p.Arg148Ile)

Gene: ELOVL4 (ELOVL fatty acid elongase 4; minus strand). Cytogenetic location: 6q14.1.
Variant type: single nucleotide variant.
Coding change: c.443G>T on transcript NM_022726.4 (MANE Select); coding-DNA position 443, G replaced by T.
Protein change: p.Arg148Ile; replaces arginine 148 with isoleucine.
Molecular consequence: missense variant.
Genome position (GRCh38, 1-based): chr6:79,921,723, C>A on the plus strand (G>T on the coding strand, the complement: ELOVL4 is on the minus strand). VCF-style: chr6-79921723-C-A. GRCh37 (hg19) VCF-style: chr6-80631440-C-A.
Other names: short protein forms R148I.
Identifiers: ClinVar variation 841393 (VCV000841393.9), dbSNP rs1774259932, ClinGen allele CA364656654.